The following is an entry in ClinVar:

ClinVar aggregate classification (germline): Uncertain significance (1 of 4 stars; one submission).

gnomAD v4.1: 22 of 1,610,876 alleles (0.0014%); highest among the groups gnomAD compares: Non-Finnish European, 0.0018%; no homozygotes.

Submission:

Women's Health and Genetics/Laboratory Corporation of America, LabCorp
Classification: Uncertain significance. Last evaluated: 2023-05-15. Review status: criteria provided, single submitter. Criteria: LabCorp Variant Classification Summary - May 2015. Collection method: clinical testing. Allele origin: germline.
Comment: Variant summary: DTNA c.1565+17A>G alters a nucleotide located close to a canonical splice site and therefore could affect mRNA splicing, leading to a significantly altered protein sequence. 4/4 computational tools predict no significant impact on normal splicing. However, these predictions have yet to be confirmed by functional studies. The variant allele was found at a frequency of 1.6e-05 in 248130 control chromosomes, predominantly at a frequency of 3.6e-05 within the Non-Finnish European subpopulation in the gnomAD database. The available data on variant occurrences in the general population are insufficient to allow any conclusion about variant significance. To our knowledge, no occurrence of c.1565+17A>G in individuals affected with Left Ventricular Noncompaction and no experimental evidence demonstrating its impact on protein function have been reported. No clinical diagnostic laboratories have submitted clinical-significance assessments for this variant to ClinVar after 2014. Based on the evidence outlined above, the variant was classified as uncertain significance.

NM_001386795.1(DTNA):c.1646+17A>G

Gene: DTNA (dystrobrevin alpha; plus strand). Cytogenetic location: 18q12.1.
Variant type: single nucleotide variant.
Coding change: c.1646+17A>G on transcript NM_001386795.1 (MANE Select); 17 bases into the intron after coding-DNA position 1646, A replaced by G.
Molecular consequence: intron variant.
Genome position (GRCh38, 1-based): chr18:34,858,415, A>G. VCF-style: chr18-34858415-A-G. GRCh37 (hg19) VCF-style: chr18-32438379-A-G.
Other names: c.1394+17A>G (NM_032975.4, NM_001386761.1, NM_032979.5); c.1391+17A>G (NM_001386762.1); c.1475+17A>G (NM_001386754.1, NM_001386755.1, NM_001386757.1 and 4 more transcripts); c.1472+17A>G (NM_001386760.1); c.1385+17A>G (NM_001386763.1, NM_001386764.1, NM_001386771.1 and 9 more transcripts); c.1382+17A>G (NM_001386768.1, NM_001386773.1, NM_001386769.1 and 1 more transcripts); c.815+17A>G (NM_001198945.2); c.1646+17A>G (NM_001386788.1); and 7 more.
Identifiers: ClinVar variation 2506267 (VCV002506267.1), dbSNP rs376948940, ClinGen allele CA8935778.